The following is an entry in ClinVar:

NM_001170629.2(CHD8):c.1919A>G (p.Asp640Gly)

Gene: CHD8 (chromodomain helicase DNA binding protein 8; minus strand). Cytogenetic location: 14q11.2.
Variant type: single nucleotide variant.
Coding change: c.1919A>G on transcript NM_001170629.2 (MANE Select); coding-DNA position 1919, A replaced by G.
Protein change: p.Asp640Gly; replaces aspartic acid 640 with glycine.
Molecular consequence: missense variant.
Genome position (GRCh38, 1-based): chr14:21,415,623, T>C on the plus strand (A>G on the coding strand, the complement: CHD8 is on the minus strand). VCF-style: chr14-21415623-T-C. GRCh37 (hg19) VCF-style: chr14-21883782-T-C.
Other names: c.1082A>G, p.Asp361Gly (NM_020920.4); short protein forms D361G, D640G.
Identifiers: ClinVar variation 4851484 (VCV004851484.1).

ClinVar aggregate classification (germline): Likely pathogenic (1 of 4 stars; one submission).

Conditions:
Paediatric disorders.

Submission:

North West Genomic Laboratory Hub, Manchester University NHS Foundation Trust
Classification: Likely pathogenic for Paediatric disorders. Last evaluated: 2026-04-27. Review status: criteria provided, single submitter. Criteria: ACGS Best Practice Guidelines for Variant Classification in Rare Disease 2024. Collection method: clinical testing. Allele origin: germline. Affected: yes.
Comment: PS2_Str PP2_Supp PM2_Mod